The following is an entry in ClinVar:

NM_001099922.3(ALG13):c.1436-3T>C

Gene: ALG13 (ALG13 UDP-N-acetylglucosaminyltransferase subunit; plus strand). Cytogenetic location: Xq23.
Variant type: single nucleotide variant.
Coding change: c.1436-3T>C on transcript NM_001099922.3 (MANE Select); 3 bases into the intron before coding-DNA position 1436, T replaced by C.
Molecular consequence: intron variant.
Genome position (GRCh38, 1-based): chrX:111,722,790, T>C. VCF-style: chrX-111722790-T-C. GRCh37 (hg19) VCF-style: chrX-110966018-T-C.
Other names: c.1124-3T>C (NM_001257237.2, NM_001257234.2, NM_001257230.2); c.1015-1008T>C (NM_001324293.1); c.1202-3T>C (NM_001257231.2); c.1436-3T>C (NM_001324292.2).
Identifiers: ClinVar variation 2720904 (VCV002720904.3), dbSNP rs2525839997, ClinGen allele CA2579681395.

ClinVar aggregate classification (germline): Uncertain significance (1 of 4 stars; one submission).

Conditions:
Developmental and epileptic encephalopathy, 36 (DEE36). Also called: Congenital disorder of glycosylation, type Is; Epileptic encephalopathy, early infantile, 36; ALG13-CDG. Identifiers: Orphanet 324422, MedGen C4317295, MONDO:0010472, OMIM 300884.

gnomAD v4.1: 1 of 1,183,112 alleles (0.000085%); no homozygotes.

Submission:

Labcorp Genetics (formerly Invitae), Labcorp
Classification: Uncertain significance for Developmental and epileptic encephalopathy, 36. Last evaluated: 2024-01-24. Review status: criteria provided, single submitter. Criteria: Invitae Variant Classification Sherloc (09022015). Collection method: clinical testing. Allele origin: germline.
Comment: This sequence change falls in intron 12 of the ALG13 gene. It does not directly change the encoded amino acid sequence of the ALG13 protein. It affects a nucleotide within the consensus splice site. This variant is not present in population databases (gnomAD no frequency). This variant has not been reported in the literature in individuals affected with ALG13-related conditions. Variants that disrupt the consensus splice site are a relatively common cause of aberrant splicing (PMID: 17576681, 9536098). Algorithms developed to predict the effect of sequence changes on RNA splicing suggest that this variant is not likely to affect RNA splicing. In summary, the available evidence is currently insufficient to determine the role of this variant in disease. Therefore, it has been classified as a Variant of Uncertain Significance.

Literature cited by the submitters: PubMed 17576681; PubMed 9536098.